The following is an entry in ClinVar:

NM_001281740.3(FHOD3):c.859G>A (p.Asp287Asn)

Gene: FHOD3 (formin homology 2 domain containing 3; plus strand). Cytogenetic location: 18q12.2.
Variant type: single nucleotide variant.
Coding change: c.859G>A on transcript NM_001281740.3 (MANE Select); coding-DNA position 859, G replaced by A.
Protein change: p.Asp287Asn; replaces aspartic acid 287 with asparagine.
Molecular consequence: missense variant.
Genome position (GRCh38, 1-based): chr18:36,611,997, G>A. VCF-style: chr18-36611997-G-A. GRCh37 (hg19) VCF-style: chr18-34191960-G-A.
Other names: c.859G>A, p.Asp287Asn (NM_001281739.3, NM_025135.5); short protein forms D287N.
Identifiers: ClinVar variation 3375598 (VCV003375598.1).

ClinVar aggregate classification (germline): Uncertain significance (1 of 4 stars; one submission).

Submission:

GeneDx
Classification: Uncertain significance. Last evaluated: 2024-05-07. Review status: criteria provided, single submitter. Criteria: GeneDx Variant Classification Process June 2021. Collection method: clinical testing. Allele origin: germline. Affected: yes.
Comment: Not observed at significant frequency in large population cohorts (gnomAD); In silico analysis supports that this missense variant has a deleterious effect on protein structure/function; Has not been previously published as pathogenic or benign to our knowledge